The following is an entry in ClinVar:

NM_000238.4(KCNH2):c.2390C>A (p.Ala797Asp)

Gene: KCNH2 (potassium voltage-gated channel subfamily H member 2; minus strand). Cytogenetic location: 7q36.1.
Variant type: single nucleotide variant.
Coding change: c.2390C>A on transcript NM_000238.4 (MANE Select); coding-DNA position 2390, C replaced by A.
Protein change: p.Ala797Asp; replaces alanine 797 with aspartic acid.
Molecular consequence: missense variant.
Genome position (GRCh38, 1-based): chr7:150,950,176, G>T on the plus strand (C>A on the coding strand, the complement: KCNH2 is on the minus strand). VCF-style: chr7-150950176-G-T. GRCh37 (hg19) VCF-style: chr7-150647264-G-T.
Other names: p.A797D:GCC>GAC; c.1370C>A, p.Ala457Asp (NM_001204798.2, NM_172057.3); c.2102C>A, p.Ala701Asp (NM_001406753.1, NM_001406756.1); c.2213C>A, p.Ala738Asp (NM_001406755.1); c.2090C>A, p.Ala697Asp (NM_001406757.1); c.2390C>A, p.Ala797Asp (NM_172056.3); short protein forms A457D, A797D, A738D, A697D, A701D.
Identifiers: ClinVar variation 200440 (VCV000200440.7), dbSNP rs794728389, ClinGen allele CA006572.
Genomic context (GRCh38, chr7:150,950,176, plus strand): 5'-CTTGAGGCTGCAGAGGGCATTTCCAGTCCAGTGCCCGCCCCCCACCCCATACCCAGGATG[G>T]CCACGACGACGTCGCCCCGCAGGATCTCGATGGAGCCCCGGGAGATGAAGTACAGGGCGG-3'
Protein context (NP_000229.1, residues 787-807): IEILRGDVVV[Ala797Asp]ILGKNDIFGE

ClinVar aggregate classification (germline): Conflicting classifications of pathogenicity. Review status: criteria provided, conflicting classifications (1 of 4 stars). 3 submissions from 3 submitters: Likely pathogenic (1); Uncertain significance (2). Last evaluated 2019-05-11.

Conditions:
Cardiovascular phenotype. Identifiers: MedGen CN230736.

Submissions (3):

Ambry Genetics
Classification: Uncertain significance for Cardiovascular phenotype. Last evaluated: 2019-05-11. Review status: criteria provided, single submitter. Criteria: Ambry Variant Classification Scheme 2023. Collection method: clinical testing. Allele origin: germline.
Comment: The p.A797D variant (also known as c.2390C>A), located in coding exon 9 of the KCNH2 gene, results from a C to A substitution at nucleotide position 2390. The alanine at codon 797 is replaced by aspartic acid, an amino acid with dissimilar properties, and is located in the cyclic nucleotide binding domain. This amino acid position is highly conserved in available vertebrate species. In addition, this alteration is predicted to be deleterious by in silico analysis. Since supporting evidence is limited at this time, the clinical significance of this alteration remains unclear.

Stanford Center for Inherited Cardiovascular Disease, Stanford University
Classification: Uncertain significance. Last evaluated: 2013-07-23. Review status: criteria provided, single submitter. Criteria: ACMG Guidelines, 2015. Collection method: provider interpretation. Allele origin: germline.

GeneDx
Classification: Likely pathogenic. Last evaluated: 2013-06-12. Review status: criteria provided, single submitter. Criteria: GeneDx Variant Classification (06012015). Collection method: clinical testing. Allele origin: germline. Affected: yes.
Comment: p.Ala797Asp (GCC>GAC): c.2390 C>A in exon 9 of the KCNH2 gene (NM_000238.2)The Ala797Asp variant in the KCNH2 gene has not been reported as a disease-causing mutation or as a benign polymorphism to our knowledge. Ala797Asp results in a non-conservative amino acid substitution of a non-polar Alanine residue with a negatively charged Aspartic acid residue at a position that is conserved across species. In silico analysis predicts Ala797Asp is probably damaging to the protein structure/function. Mutations in nearby residues (Glu788Asp, Glu788Lys, Arg791Trp, Gly800Glu, Gly800Trp) have been reported in association with LQTS, further supporting the functional importance of this region of the protein. Furthermore, the Ala797Asp variant was not observed in approximately 6,500 individuals of European and African American ancestry in the NHLBI Exome Sequencing Project, indicating it is not a common benign variant in these populations.In summary, while Ala797Asp is a good candidate for a disease-causing mutation, with the clinical and molecular information available at this time we cannot unequivocally determine the clinical significance of this variant. The variant is found in LQT panel(s).